The following is an entry in ClinVar:

ClinVar aggregate classification (germline): Likely benign (1 of 4 stars; one submission).

Allele frequency attached by ClinVar (database versions not stated): gnomAD 0.00001; gnomAD exomes 0.00001.
gnomAD v4.1: 14 of 1,613,980 alleles (0.00087%); highest among the groups gnomAD compares: South Asian, 0.013%; no homozygotes.

Submission:

Women's Health and Genetics/Laboratory Corporation of America, LabCorp
Classification: Likely benign. Last evaluated: 2023-08-11. Review status: criteria provided, single submitter. Criteria: LabCorp Variant Classification Summary - May 2015. Collection method: clinical testing. Allele origin: germline.
Comment: Variant summary: SETBP1 c.1872G>A alters a conserved nucleotide resulting in a synonymous change. 4/4 computational tools predict no significant impact on normal splicing. However, these predictions have yet to be confirmed by functional studies. The variant allele was found at a frequency of 8e-06 in 249090 control chromosomes. The available data on variant occurrences in the general population are insufficient to allow any conclusion about variant significance. To our knowledge, no occurrence of c.1872G>A in individuals affected with SETBP1-Related Disorders and no experimental evidence demonstrating its impact on protein function have been reported. No submitters have cited clinical-significance assessments for this variant to ClinVar after 2014. Based on the evidence outlined above, the variant was classified as likely benign.

NM_015559.3(SETBP1):c.1872G>A (p.Lys624=)

Gene: SETBP1 (SET binding protein 1; plus strand). Cytogenetic location: 18q12.3.
Variant type: single nucleotide variant.
Coding change: c.1872G>A on transcript NM_015559.3 (MANE Select); coding-DNA position 1872, G replaced by A.
Protein change: p.Lys624=; no amino-acid change (lysine 624 retained).
Molecular consequence: synonymous variant.
Genome position (GRCh38, 1-based): chr18:44,951,212, G>A. VCF-style: chr18-44951212-G-A. GRCh37 (hg19) VCF-style: chr18-42531177-G-A.
Other names: c.1872G>A, p.Lys624= (NM_001379141.1, NM_001379142.1, NM_001410862.1).
Identifiers: ClinVar variation 2581670 (VCV002581670.1), dbSNP rs918280953, ClinGen allele CA299698043.